The following is an entry in ClinVar:

ClinVar aggregate classification (germline): Uncertain significance (1 of 4 stars; one submission).

Conditions:
Brugada syndrome. Also called: Sudden unexpected nocturnal death syndrome; Sudden Unexplained Death Syndrome; Sudden Unexplained Nocturnal Death Syndrome (SUNDS); Sudden unexplained nocturnal death syndrome. Identifiers: Orphanet 130, MedGen C1142166, MONDO:0015263.

gnomAD v4.1: 1 of 1,612,570 alleles (0.000062%); no homozygotes.

Submission:

Labcorp Genetics (formerly Invitae), Labcorp
Classification: Uncertain significance for Brugada syndrome. Last evaluated: 2025-06-07. Review status: criteria provided, single submitter. Criteria: Invitae Variant Classification Sherloc (09022015). Collection method: clinical testing. Allele origin: germline.
Comment: This sequence change replaces cysteine, which is neutral and slightly polar, with phenylalanine, which is neutral and non-polar, at codon 857 of the SCN10A protein (p.Cys857Phe). The frequency data for this variant in the population databases is considered unreliable, as metrics indicate poor data quality at this position in the gnomAD database. This variant has not been reported in the literature in individuals affected with SCN10A-related conditions. Invitae Evidence Modeling of protein sequence and biophysical properties (such as structural, functional, and spatial information, amino acid conservation, physicochemical variation, residue mobility, and thermodynamic stability) indicates that this missense variant is expected to disrupt SCN10A protein function with a positive predictive value of 80%. In summary, the available evidence is currently insufficient to determine the role of this variant in disease. Therefore, it has been classified as a Variant of Uncertain Significance.

NM_006514.4(SCN10A):c.2570G>T (p.Cys857Phe)

Gene: SCN10A (sodium voltage-gated channel alpha subunit 10; minus strand). Cytogenetic location: 3p22.2.
Variant type: single nucleotide variant.
Coding change: c.2570G>T on transcript NM_006514.4 (MANE Select); coding-DNA position 2570, G replaced by T.
Protein change: p.Cys857Phe; replaces cysteine 857 with phenylalanine.
Molecular consequence: missense variant.
Genome position (GRCh38, 1-based): chr3:38,728,612, C>A on the plus strand (G>T on the coding strand, the complement: SCN10A is on the minus strand). VCF-style: chr3-38728612-C-A. GRCh37 (hg19) VCF-style: chr3-38770103-C-A.
Other names: c.2570G>T, p.Cys857Phe (NM_001293306.2); c.2276G>T, p.Cys759Phe (NM_001293307.2); short protein forms C857F, C759F.
Identifiers: ClinVar variation 4781666 (VCV004781666.1).
Genomic context (GRCh38, chr3:38,728,612, plus strand): 5'-CCTAGCACCATCACCGTCAAGAAAAGGATGAGGCATATGGATTTTTGGCCAACTTCCATG[C>A]AGGCCCACATGTTCTCAATCCACTCTCCACAGAGGATACGGAAGACAATGAGGAAAGAGT-3'
Protein context (NP_006505.4, residues 847-867): CGEWIENMWA[Cys857Phe]MEVGQKSICL